The following is an entry in ClinVar:

ClinVar aggregate classification (germline): Uncertain significance (1 of 4 stars; one submission).

Conditions:
Catecholaminergic polymorphic ventricular tachycardia 1. Also called: VENTRICULAR TACHYCARDIA, CATECHOLAMINERGIC POLYMORPHIC, 1, WITH OR WITHOUT ATRIAL DYSFUNCTION AND/OR DILATED CARDIOMYOPATHY; VENTRICULAR TACHYCARDIA, STRESS-INDUCED POLYMORPHIC 1; RYR2-Related Catecholaminergic Polymorphic Ventricular Tachycardia. Identifiers: Orphanet 3286, MedGen C1631597, MONDO:0011484, OMIM 604772.

Submission:

Labcorp Genetics (formerly Invitae), Labcorp
Classification: Uncertain significance for Catecholaminergic polymorphic ventricular tachycardia 1. Last evaluated: 2023-12-11. Review status: criteria provided, single submitter. Criteria: Invitae Variant Classification Sherloc (09022015). Collection method: clinical testing. Allele origin: germline.
Comment: This sequence change replaces tyrosine, which is neutral and polar, with histidine, which is basic and polar, at codon 2719 of the RYR2 protein (p.Tyr2719His). This variant is not present in population databases (gnomAD no frequency). This variant has not been reported in the literature in individuals affected with RYR2-related conditions. Advanced modeling of protein sequence and biophysical properties (such as structural, functional, and spatial information, amino acid conservation, physicochemical variation, residue mobility, and thermodynamic stability) performed at Invitae indicates that this missense variant is not expected to disrupt RYR2 protein function with a negative predictive value of 95%. In summary, the available evidence is currently insufficient to determine the role of this variant in disease. Therefore, it has been classified as a Variant of Uncertain Significance.

NM_001035.3(RYR2):c.8155T>C (p.Tyr2719His)

Gene: RYR2 (ryanodine receptor 2; plus strand). Cytogenetic location: 1q43.
Variant type: single nucleotide variant.
Coding change: c.8155T>C on transcript NM_001035.3 (MANE Select); coding-DNA position 8155, T replaced by C.
Protein change: p.Tyr2719His; replaces tyrosine 2719 with histidine.
Molecular consequence: missense variant.
Genome position (GRCh38, 1-based): chr1:237,657,969, T>C. VCF-style: chr1-237657969-T-C. GRCh37 (hg19) VCF-style: chr1-237821269-T-C.
Other names: short protein forms Y2719H.
Identifiers: ClinVar variation 2839203 (VCV002839203.3), dbSNP rs2547100338, ClinGen allele CA345401162.